The following is an entry in ClinVar:

NM_001267550.2(TTN):c.38464_38464+5del

Gene: TTN (titin; minus strand). Cytogenetic location: 2q31.2.
Variant type: Deletion.
Coding change: c.38464_38464+5del on transcript NM_001267550.2 (MANE Select); coding-DNA position 38464 through 5 bases into the intron after coding-DNA position 38464, 6 bases deleted (GGTACA; older notation c.38464_38464+5delGGTACA).
Molecular consequence: splice donor variant. On other transcripts: intron variant (5).
Genome position (GRCh38, 1-based): chr2:178,654,007-178,654,012, TGTACC deleted on the plus strand (GGTACA on the coding strand, the reverse complement: TTN is on the minus strand); deleting any 6 consecutive bases within chr2:178,654,007-178,654,016 gives the same sequence; the c. name uses the placement nearest the transcript's 3' end. VCF-style (leftmost placement, unchanged base first): chr2-178654006-ATGTACC-A. GRCh37 (hg19) VCF-style: chr2-179518733-ATGTACC-A.
Other names: c.13283-11695_13283-11690del (NM_003319.4); c.13859-11695_13859-11690del (NM_133437.4); c.13658-11695_13658-11690del (NM_133432.3); c.31742-1471_31742-1466del (NM_133378.4); c.34523-1471_34523-1466del (NM_001256850.1).
Identifiers: ClinVar variation 4682194 (VCV004682194.1).
Genomic context (GRCh38, chr2:178,654,006, plus strand): 5'-ACTAAAATTGTTTTCAGGAATGGAAGAGAGATTTCTTCTGCAGGATAAGGTTGAGCTGAC[ATGTACC>A]TGTAACTGCGGGGGCTTCTGGTTTTTTGATTGGTGCCTTGGGAATTTTCTTTTCTGGGAC-3'

ClinVar aggregate classification (germline): Uncertain significance (1 of 4 stars; one submission).

Submission:

Athena Diagnostics
Classification: Uncertain significance. Last evaluated: 2025-06-20. Review status: criteria provided, single submitter. Criteria: Athena Diagnostics Criteria. Collection method: clinical testing. Allele origin: unknown.
Comment: Available data are insufficient to determine the clinical significance of the variant at this time. This variant has not been reported in large, multi-ethnic general populations. This variant is in a coding region of the longest isoform of TTN, inferred model NM_001267550.1. It is expected to maintain the transcript reading frame but may still disrupt protein function. However, it is in a non-coding region of the main skeletal and cardiac muscle isoforms of TTN.